The following is an entry in ClinVar:

NM_024422.6(DSC2):c.355G>T (p.Val119Phe)

Gene: DSC2 (desmocollin 2; minus strand). Cytogenetic location: 18q12.1.
Variant type: single nucleotide variant.
Coding change: c.355G>T on transcript NM_024422.6 (MANE Select); coding-DNA position 355, G replaced by T.
Protein change: p.Val119Phe; replaces valine 119 with phenylalanine.
Molecular consequence: missense variant. On other transcripts: 5 prime UTR variant (2).
Genome position (GRCh38, 1-based): chr18:31,091,147, C>A on the plus strand (G>T on the coding strand, the complement: DSC2 is on the minus strand). VCF-style: chr18-31091147-C-A. GRCh37 (hg19) VCF-style: chr18-28671110-C-A.
Other names: c.-75G>T (NM_001406507.1, NM_001406506.1); c.355G>T, p.Val119Phe (NM_004949.5); short protein forms V119F.
Identifiers: ClinVar variation 4776088 (VCV004776088.1).

ClinVar aggregate classification (germline): Uncertain significance (1 of 4 stars; one submission).

Conditions:
Arrhythmogenic right ventricular dysplasia 11. Also called: ARRHYTHMOGENIC RIGHT VENTRICULAR DYSPLASIA, FAMILIAL, 11; Arrhythmogenic Right Ventricular Dysplasia/Cardiomyopathy11; Arrhythmogenic right ventricular dysplasia 11 with mild palmoplantar keratoderma and woolly hair. Identifiers: MedGen C1864850, MONDO:0012506, OMIM 610476.

gnomAD v4.1: 2 of 1,613,796 alleles (0.00012%); highest among the groups gnomAD compares: Non-Finnish European, 0.00017%; no homozygotes.

Submission:

Labcorp Genetics (formerly Invitae), Labcorp
Classification: Uncertain significance for Arrhythmogenic right ventricular dysplasia 11. Last evaluated: 2025-03-26. Review status: criteria provided, single submitter. Criteria: Invitae Variant Classification Sherloc (09022015). Collection method: clinical testing. Allele origin: germline.
Comment: This sequence change replaces valine, which is neutral and non-polar, with phenylalanine, which is neutral and non-polar, at codon 119 of the DSC2 protein (p.Val119Phe). This variant is not present in population databases (gnomAD no frequency). This variant has not been reported in the literature in individuals affected with DSC2-related conditions. An algorithm developed to predict the effect of missense changes on protein structure and function (PolyPhen-2) suggests that this variant is likely to be disruptive. Algorithms developed to predict the effect of sequence changes on RNA splicing suggest that this variant may disrupt the consensus splice site. In summary, the available evidence is currently insufficient to determine the role of this variant in disease. Therefore, it has been classified as a Variant of Uncertain Significance.